The following is an entry in ClinVar:

NM_015166.4(MLC1):c.276del (p.Ser93fs)

Gene: MLC1 (modulator of VRAC current 1; minus strand). Cytogenetic location: 22q13.33.
Variant type: Deletion.
Coding change: c.276del on transcript NM_015166.4 (MANE Select); coding-DNA position 276, one base deleted (C; older notation c.276delC).
Protein change: p.Ser93fs; shifts the reading frame from serine 93.
Molecular consequence: frameshift variant. On other transcripts: non-coding transcript variant (3), intron variant (2).
Genome position (GRCh38, 1-based): chr22:50,080,389, G deleted on the plus strand (C on the coding strand, the reverse complement: MLC1 is on the minus strand); the first of 4 consecutive G bases (chr22:50,080,389-50,080,392); deleting any one gives the same sequence. VCF-style (leftmost placement, unchanged base first): chr22-50080388-AG-A. GRCh37 (hg19) VCF-style: chr22-50518817-AG-A.
Other names: c.276del, p.Ser93fs (NM_001376472.1, NM_001376473.1, NM_001376474.1 and 7 more transcripts); c.186del, p.Ser63fs (NM_001376480.1); c.39del, p.Ser14fs (NM_001376484.1); c.267+2695del (NM_001376482.1, NM_001376483.1); short protein forms S14fs, S63fs, S93fs.
Identifiers: ClinVar variation 5014210 (VCV005014210.1).

ClinVar aggregate classification (germline): Pathogenic (1 of 4 stars; one submission).

Conditions:
Megalencephalic leukoencephalopathy with subcortical cysts 1 (MLC1). Also called: LEUKOENCEPHALOPATHY WITH SWELLING AND CYSTS; VACUOLATING MEGALENCEPHALIC LEUKOENCEPHALOPATHY WITH SUBCORTICAL CYSTS. Identifiers: Orphanet 2478, MedGen C5779875, MONDO:0024555, OMIM 604004.

Submission:

Myriad Genetics, Inc.
Classification: Pathogenic for Megalencephalic leukoencephalopathy with subcortical cysts 1. Last evaluated: 2025-03-14. Review status: criteria provided, single submitter. Criteria: Myriad Autosomal Dominant, Autosomal Recessive and X-Linked Classification Criteria (2023). Collection method: clinical testing. Allele origin: unknown.
Comment: NM_015166.3(MLC1):c.276delC(S93Rfs*4) is expected to be pathogenic in the context of megalencephalic leukoencephalopathy with subcortical cysts. This variant is predicted to lead to an abnormal or absent protein product due to the creation of a premature termination codon in MLC1, a gene where loss-of-function variants are known to be pathogenic. Please note: this variant was assessed in the context of healthy population screening.